The following is an entry in ClinVar:

NM_015662.3(IFT172):c.2674G>A (p.Gly892Ser)

Genes: IFT172 (intraflagellar transport 172; minus strand), LOC126806174 (CDK7 strongly-dependent group 2 enhancer GRCh37_chr2:27681686-27682885; plus strand). Cytogenetic location: 2p23.3.
Variant type: single nucleotide variant.
Coding change: c.2674G>A on transcript NM_015662.3 (MANE Select); coding-DNA position 2674, G replaced by A.
Protein change: p.Gly892Ser; replaces glycine 892 with serine.
Molecular consequence: missense variant.
Genome position (GRCh38, 1-based): chr2:27,459,491, C>T on the plus strand (G>A on the coding strand, the complement: IFT172 is on the minus strand). VCF-style: chr2-27459491-C-T. GRCh37 (hg19) VCF-style: chr2-27682358-C-T.
Other names: c.2608G>A, p.Gly870Ser (NM_001410739.1); short protein forms G870S, G892S.
Identifiers: ClinVar variation 2098631 (VCV002098631.4), dbSNP rs2465865088, ClinGen allele CA346382384.

ClinVar aggregate classification (germline): Uncertain significance (1 of 4 stars; one submission).

Conditions:
Short-rib thoracic dysplasia 10 with or without polydactyly (SRTD10). Identifiers: Orphanet 474, MedGen C3810175, MONDO:0014284, OMIM 615630.
Retinitis pigmentosa 71 (RP71). Identifiers: Orphanet 791, MedGen C4225342, MONDO:0014618, OMIM 616394.

Submission:

Labcorp Genetics (formerly Invitae), Labcorp
Classification: Uncertain significance for Retinitis pigmentosa 71; Short-rib thoracic dysplasia 10 with or without polydactyly. Last evaluated: 2022-02-18. Review status: criteria provided, single submitter. Criteria: Invitae Variant Classification Sherloc (09022015). Collection method: clinical testing. Allele origin: germline.
Comment: This variant is not present in population databases (gnomAD no frequency). In summary, the available evidence is currently insufficient to determine the role of this variant in disease. Therefore, it has been classified as a Variant of Uncertain Significance. Algorithms developed to predict the effect of missense changes on protein structure and function (SIFT, PolyPhen-2, Align-GVGD) all suggest that this variant is likely to be tolerated. This variant has not been reported in the literature in individuals affected with IFT172-related conditions. This sequence change replaces glycine, which is neutral and non-polar, with serine, which is neutral and polar, at codon 892 of the IFT172 protein (p.Gly892Ser).